The following is an entry in ClinVar:

ClinVar aggregate classification (germline): Likely benign. Review status: criteria provided, single submitter (1 of 4 stars). 2 submissions from 2 submitters: Likely benign (1). 1 of the submissions does not count toward it. Last evaluated 2022-11-22.

Conditions:
Megalencephaly-polymicrogyria-postaxial polydactyly-hydrocephalus syndrome. Also called: MPPH Syndrome; MEG-PMG-MEGACC SYNDROME. Identifiers: Orphanet 83473, MedGen C1863924, MONDO:0019375.
PIK3R2-related disorder. Also called: PIK3R2-related condition.

Allele frequency attached by ClinVar (database versions not stated): gnomAD exomes 0.00003 and 0.00005; ExAC 0.00005; gnomAD 0.00005 and 0.00006; TOPMed 0.00008.
gnomAD v4.1: 55 of 1,612,664 alleles (0.0034%); highest among the groups gnomAD compares: Admixed American, 0.0084%; no homozygotes.

Submissions (2):

Labcorp Genetics (formerly Invitae), Labcorp
Classification: Likely benign for Megalencephaly-polymicrogyria-postaxial polydactyly-hydrocephalus syndrome. Last evaluated: 2022-11-22. Review status: criteria provided, single submitter. Criteria: Invitae Variant Classification Sherloc (09022015). Collection method: clinical testing. Allele origin: germline.

PreventionGenetics, part of Exact Sciences
Classification: Likely benign for PIK3R2-related condition. Last evaluated: 2019-05-02. Review status: no assertion criteria provided. Collection method: clinical testing. Allele origin: germline. Not counted in ClinVar's aggregate classification.
Comment: This variant is classified as likely benign based on ACMG/AMP sequence variant interpretation guidelines (Richards et al. 2015 PMID: 25741868, with internal and published modifications).

NM_005027.4(PIK3R2):c.1968C>T (p.Ala656=)

Gene: PIK3R2 (phosphoinositide-3-kinase regulatory subunit 2; plus strand). Cytogenetic location: 19p13.11.
Variant type: single nucleotide variant.
Coding change: c.1968C>T on transcript NM_005027.4 (MANE Select); coding-DNA position 1968, C replaced by T.
Protein change: p.Ala656=; no amino-acid change (alanine 656 retained).
Molecular consequence: synonymous variant. On other transcripts: non-coding transcript variant (2).
Genome position (GRCh38, 1-based): chr19:18,168,885, C>T. VCF-style: chr19-18168885-C-T. GRCh37 (hg19) VCF-style: chr19-18279695-C-T.
Other names: c.1968C>T (NM_005027.3).
Identifiers: ClinVar variation 1154950 (VCV001154950.11), dbSNP rs756868198, ClinGen allele CA9307199.